The following is an entry in ClinVar:

ClinVar aggregate classification (germline): Uncertain significance (1 of 4 stars; one submission).

Conditions:
Peroxisome biogenesis disorder, complementation group K (CGK). Identifiers: MedGen C1866257, MONDO:0800365.

Allele frequency attached by ClinVar (database versions not stated): gnomAD exomes below 0.00001; TOPMed below 0.00001.
gnomAD v4.1: 3 of 1,611,924 alleles (0.00019%); highest among the groups gnomAD compares: Non-Finnish European, 0.00025%; no homozygotes.

Submission:

Labcorp Genetics (formerly Invitae), Labcorp
Classification: Uncertain significance for Peroxisome biogenesis disorder, complementation group K. Last evaluated: 2021-11-26. Review status: criteria provided, single submitter. Criteria: Invitae Variant Classification Sherloc (09022015). Collection method: clinical testing. Allele origin: germline.
Comment: In summary, the available evidence is currently insufficient to determine the role of this variant in disease. Therefore, it has been classified as a Variant of Uncertain Significance. Algorithms developed to predict the effect of missense changes on protein structure and function output the following: SIFT: "Tolerated"; PolyPhen-2: "Benign"; Align-GVGD: "Class C0". The alanine amino acid residue is found in multiple mammalian species, which suggests that this missense change does not adversely affect protein function. ClinVar contains an entry for this variant (Variation ID: 961531). This variant has not been reported in the literature in individuals affected with PEX14-related conditions. This variant is not present in population databases (gnomAD no frequency). This sequence change replaces valine, which is neutral and non-polar, with alanine, which is neutral and non-polar, at codon 337 of the PEX14 protein (p.Val337Ala).

NM_004565.3(PEX14):c.1010T>C (p.Val337Ala)

Gene: PEX14 (peroxisomal biogenesis factor 14; plus strand). Cytogenetic location: 1p36.22.
Variant type: single nucleotide variant.
Coding change: c.1010T>C on transcript NM_004565.3 (MANE Select); coding-DNA position 1010, T replaced by C.
Protein change: p.Val337Ala; replaces valine 337 with alanine.
Molecular consequence: missense variant.
Genome position (GRCh38, 1-based): chr1:10,629,863, T>C. VCF-style: chr1-10629863-T-C. GRCh37 (hg19) VCF-style: chr1-10689920-T-C.
Other names: short protein forms V337A.
Identifiers: ClinVar variation 961531 (VCV000961531.5), dbSNP rs1258983860, ClinGen allele CA338339406.